The following is an entry in ClinVar:

NM_001394062.1(MACF1):c.12382C>G (p.Gln4128Glu)

Gene: MACF1 (microtubule actin crosslinking factor 1; plus strand). Cytogenetic location: 1p34.3.
Variant type: single nucleotide variant.
Coding change: c.12382C>G on transcript NM_001394062.1 (MANE Select); coding-DNA position 12382, C replaced by G.
Protein change: p.Gln4128Glu; replaces glutamine 4128 with glutamic acid.
Molecular consequence: missense variant.
Genome position (GRCh38, 1-based): chr1:39,360,930, C>G. VCF-style: chr1-39360930-C-G. GRCh37 (hg19) VCF-style: chr1-39826602-C-G.
Other names: c.6196C>G, p.Gln2066Glu (NM_012090.5); short protein forms Q2066E, Q4128E.
Identifiers: ClinVar variation 1801154 (VCV001801154.1), dbSNP rs2522392522, ClinGen allele CA339823457.

ClinVar aggregate classification (germline): Uncertain significance (1 of 4 stars; one submission).

Submission:

GeneDx
Classification: Uncertain significance. Last evaluated: 2022-05-26. Review status: criteria provided, single submitter. Criteria: GeneDx Variant Classification Process June 2021. Collection method: clinical testing. Allele origin: germline. Affected: yes.
Comment: Not observed at significant frequency in large population cohorts (gnomAD); In silico analysis supports that this missense variant does not alter protein structure/function; Has not been previously published as pathogenic or benign to our knowledge